The following is an entry in ClinVar:

ClinVar aggregate classification (germline): Benign. Review status: criteria provided, multiple submitters, no conflicts (2 of 4 stars). 2 submissions from 2 submitters: Benign (2). Last evaluated 2020-10-29.

Allele frequency attached by ClinVar (database versions not stated): gnomAD 0.05702 and 0.05930; TOPMed 0.05743; ESP Exome Variant Server 0.06005; 1000 Genomes Project 30x 0.07199; 1000 Genomes Project 0.07268.

Submissions (2):

GeneDx
Classification: Benign. Last evaluated: 2020-10-29. Review status: criteria provided, single submitter. Criteria: GeneDx Variant Classification Process June 2021. Collection method: clinical testing. Allele origin: germline. Affected: yes.
Comment: This variant is associated with the following publications: (PMID: 26108971)

Breakthrough Genomics
Classification: Benign. Review status: criteria provided, single submitter. Criteria: ACMG Guidelines, 2015. Collection method: not provided. Allele origin: germline. Inheritance: Unknown mechanism. Affected: yes.

NM_005549.2(KCNA10):c.658G>A (p.Val220Met)

Gene: KCNA10 (potassium voltage-gated channel subfamily A member 10; minus strand). Cytogenetic location: 1p13.3.
Variant type: single nucleotide variant.
Coding change: c.658G>A on transcript NM_005549.2 (MANE Select); coding-DNA position 658, G replaced by A.
Protein change: p.Val220Met; replaces valine 220 with methionine.
Molecular consequence: missense variant.
Genome position (GRCh38, 1-based): chr1:110,518,130, C>T on the plus strand (G>A on the coding strand, the complement: KCNA10 is on the minus strand). VCF-style: chr1-110518130-C-T. GRCh37 (hg19) VCF-style: chr1-111060752-C-T.
Other names: short protein forms V220M.
Identifiers: ClinVar variation 1294562 (VCV001294562.3), dbSNP rs34970857, ClinGen allele CA1000426.